The following is an entry in ClinVar:

NM_145059.3(FCSK):c.934C>T (p.Arg312Cys)

Gene: FCSK (fucose kinase; plus strand). Cytogenetic location: 16q22.1.
Variant type: single nucleotide variant.
Coding change: c.934C>T on transcript NM_145059.3 (MANE Select); coding-DNA position 934, C replaced by T.
Protein change: p.Arg312Cys; replaces arginine 312 with cysteine.
Molecular consequence: missense variant.
Genome position (GRCh38, 1-based): chr16:70,469,302, C>T. VCF-style: chr16-70469302-C-T. GRCh37 (hg19) VCF-style: chr16-70503205-C-T.
Other names: c.934C>T (NM_145059.2); short protein forms R312C.
Identifiers: ClinVar variation 2172007 (VCV002172007.5), dbSNP rs781473969, ClinGen allele CA8143127.

ClinVar aggregate classification (germline): Uncertain significance. Review status: criteria provided, multiple submitters, no conflicts (2 of 4 stars). 2 submissions from 2 submitters: Uncertain significance (2). Last evaluated 2025-04-15.

Allele frequency attached by ClinVar (database versions not stated): gnomAD exomes 0.00002; TOPMed 0.00002; ExAC 0.00003.
gnomAD v4.1: 24 of 1,605,446 alleles (0.0015%); highest among the groups gnomAD compares: South Asian, 0.0078%; no homozygotes.

Submissions (2):

Ambry Genetics
Classification: Uncertain significance. Last evaluated: 2025-04-15. Review status: criteria provided, single submitter. Criteria: Ambry Variant Classification Scheme 2023. Collection method: clinical testing. Allele origin: germline.

Labcorp Genetics (formerly Invitae), Labcorp
Classification: Uncertain significance. Last evaluated: 2022-11-02. Review status: criteria provided, single submitter. Criteria: Invitae Variant Classification Sherloc (09022015). Collection method: clinical testing. Allele origin: germline.
Comment: In summary, the available evidence is currently insufficient to determine the role of this variant in disease. Therefore, it has been classified as a Variant of Uncertain Significance. Algorithms developed to predict the effect of missense changes on protein structure and function are either unavailable or do not agree on the potential impact of this missense change (SIFT: "Deleterious"; PolyPhen-2: "Probably Damaging"; Align-GVGD: "Class C0"). This variant has not been reported in the literature in individuals affected with FUK-related conditions. This variant is present in population databases (rs781473969, gnomAD 0.007%). This sequence change replaces arginine, which is basic and polar, with cysteine, which is neutral and slightly polar, at codon 312 of the FUK protein (p.Arg312Cys).